The following is an entry in ClinVar:

ClinVar aggregate classification (germline): Uncertain significance (1 of 4 stars; one submission).

gnomAD v4.1: 9 of 1,613,304 alleles (0.00056%); highest among the groups gnomAD compares: Non-Finnish European, 0.00076%; no homozygotes.

Submission:

GeneDx
Classification: Uncertain significance. Last evaluated: 2024-08-14. Review status: criteria provided, single submitter. Criteria: GeneDx Variant Classification Process June 2021. Collection method: clinical testing. Allele origin: germline. Affected: yes.
Comment: Not observed at significant frequency in large population cohorts (gnomAD); In silico analysis indicates that this missense variant does not alter protein structure/function; Has not been previously published as pathogenic or benign to our knowledge

NM_001953.5(TYMP):c.238C>T (p.Leu80Phe)

Genes: TYMP (thymidine phosphorylase; minus strand), LOC130067864 (ATAC-STARR-seq lymphoblastoid active region 19325; plus strand). Cytogenetic location: 22q13.33.
Variant type: single nucleotide variant.
Coding change: c.238C>T on transcript NM_001953.5 (MANE Select); coding-DNA position 238, C replaced by T.
Protein change: p.Leu80Phe; replaces leucine 80 with phenylalanine.
Molecular consequence: missense variant.
Genome position (GRCh38, 1-based): chr22:50,529,315, G>A on the plus strand (C>T on the coding strand, the complement: TYMP is on the minus strand). VCF-style: chr22-50529315-G-A. GRCh37 (hg19) VCF-style: chr22-50967744-G-A.
Other names: c.238C>T, p.Leu80Phe (NM_001113755.3, NM_001113756.3, NM_001257988.1 and 1 more transcripts); short protein forms L80F.
Identifiers: ClinVar variation 3731145 (VCV003731145.1).